The following is an entry in ClinVar:

ClinVar aggregate classification (germline): Uncertain significance (1 of 4 stars; one submission).

Submission:

GeneDx
Classification: Uncertain significance. Last evaluated: 2022-02-22. Review status: criteria provided, single submitter. Criteria: GeneDx Variant Classification Process June 2021. Collection method: clinical testing. Allele origin: germline. Affected: yes.
Comment: Not observed at significant frequency in large population cohorts (gnomAD); In silico analysis supports that this missense variant does not alter protein structure/function; Has not been previously published as pathogenic or benign to our knowledge

NM_133433.4(NIPBL):c.3383A>G (p.His1128Arg)

Gene: NIPBL (NIPBL cohesin loading factor; plus strand). Cytogenetic location: 5p13.2.
Variant type: single nucleotide variant.
Coding change: c.3383A>G on transcript NM_133433.4 (MANE Select); coding-DNA position 3383, A replaced by G.
Protein change: p.His1128Arg; replaces histidine 1128 with arginine.
Molecular consequence: missense variant.
Genome position (GRCh38, 1-based): chr5:37,000,451, A>G. VCF-style: chr5-37000451-A-G. GRCh37 (hg19) VCF-style: chr5-37000553-A-G.
Other names: c.3383A>G, p.His1128Arg (NM_015384.5); short protein forms H1128R.
Identifiers: ClinVar variation 1702582 (VCV001702582.2), dbSNP rs2149669068, ClinGen allele CA359517767.
Genomic context (GRCh38, chr5:37,000,451, plus strand): 5'-AAAAAGATGATGATAAAGCTTGGGAATATGAAGAGCGTGACAGAAGAAGCTCTGGGGATC[A>G]TAGGAGAAGTGGCCACTCTCATGAAGGAAGAAGGAGTTCAGGTGGTGGTCGTTATCGAAA-3'
Protein context (NP_597677.2, residues 1118-1138): EERDRRSSGD[His1128Arg]RRSGHSHEGR